The following is an entry in ClinVar:

ClinVar aggregate classification (germline): Uncertain significance (1 of 4 stars; one submission).

Conditions:
Epilepsy, familial focal, with variable foci 3 (FFEVF3). Identifiers: MedGen C4310708, MONDO:0014925, OMIM 617118.

Allele frequency attached by ClinVar (database versions not stated): TOPMed below 0.00001; gnomAD 0.00001.
gnomAD v4.1: 4 of 1,610,580 alleles (0.00025%); highest among the groups gnomAD compares: Admixed American, 0.0017%; no homozygotes.

Submission:

Labcorp Genetics (formerly Invitae), Labcorp
Classification: Uncertain significance for Epilepsy, familial focal, with variable foci 3. Last evaluated: 2023-11-11. Review status: criteria provided, single submitter. Criteria: Invitae Variant Classification Sherloc (09022015). Collection method: clinical testing. Allele origin: germline.
Comment: This sequence change replaces arginine, which is basic and polar, with histidine, which is basic and polar, at codon 158 of the NPRL3 protein (p.Arg158His). This variant is not present in population databases (gnomAD no frequency). This variant has not been reported in the literature in individuals affected with NPRL3-related conditions. ClinVar contains an entry for this variant (Variation ID: 864463). Advanced modeling of protein sequence and biophysical properties (such as structural, functional, and spatial information, amino acid conservation, physicochemical variation, residue mobility, and thermodynamic stability) performed at Invitae indicates that this missense variant is not expected to disrupt NPRL3 protein function with a negative predictive value of 80%. In summary, the available evidence is currently insufficient to determine the role of this variant in disease. Therefore, it has been classified as a Variant of Uncertain Significance.

NM_001077350.3(NPRL3):c.473G>A (p.Arg158His)

Genes: HBA-LCR (alpha-globin locus control region; plus strand), NPRL3 (NPR3 like, GATOR1 complex subunit; minus strand). Cytogenetic location: 16p13.3.
Variant type: single nucleotide variant.
Coding change: c.473G>A on transcript NM_001077350.3 (MANE Select); coding-DNA position 473, G replaced by A.
Protein change: p.Arg158His; replaces arginine 158 with histidine.
Molecular consequence: missense variant. On other transcripts: 5 prime UTR variant (1).
Genome position (GRCh38, 1-based): chr16:112,696, C>T on the plus strand (G>A on the coding strand, the complement: NPRL3 is on the minus strand). VCF-style: chr16-112696-C-T. GRCh37 (hg19) VCF-style: chr16-162695-C-T.
Other names: c.-65G>A (NM_001039476.3); c.239G>A, p.Arg80His (NM_001243247.2); c.398G>A, p.Arg133His (NM_001243248.2, NM_001243249.2); short protein forms R133H, R80H, R158H.
Identifiers: ClinVar variation 864463 (VCV000864463.8), dbSNP rs1215682749, ClinGen allele CA393993887.